The following is an entry in ClinVar:

NM_000744.7(CHRNA4):c.1483C>T (p.Arg495Ter)

Gene: CHRNA4 (cholinergic receptor nicotinic alpha 4 subunit; minus strand). Cytogenetic location: 20q13.33.
Variant type: single nucleotide variant.
Coding change: c.1483C>T on transcript NM_000744.7 (MANE Select); coding-DNA position 1483, C replaced by T.
Protein change: p.Arg495Ter; replaces arginine 495 with a stop codon.
Molecular consequence: nonsense. On other transcripts: non-coding transcript variant (1).
Genome position (GRCh38, 1-based): chr20:63,349,928, G>A on the plus strand (C>T on the coding strand, the complement: CHRNA4 is on the minus strand). VCF-style: chr20-63349928-G-A. GRCh37 (hg19) VCF-style: chr20-61981280-G-A.
Other names: c.1483C>T (NM_000744.5); c.955C>T, p.Arg319Ter (NM_001256573.2); short protein forms R319*, R495*.
Identifiers: ClinVar variation 971007 (VCV000971007.11), dbSNP rs765379481, ClinGen allele CA9957591.

ClinVar aggregate classification (germline): Conflicting classifications of pathogenicity. Review status: criteria provided, conflicting classifications (1 of 4 stars). 2 submissions from 2 submitters: Uncertain significance (1); Likely benign (1). Last evaluated 2024-01-15.

Conditions:
Familial sleep-related hypermotor epilepsy. Also called: Autosomal Dominant Sleep-Related Hypermotor (Hyperkinetic) Epilepsy. Identifiers: Orphanet 98784, MedGen C3696898, MONDO:0000030.

Allele frequency attached by ClinVar (database versions not stated): gnomAD exomes 0.00002; gnomAD 0.00003 and 0.00004; TOPMed 0.00004; ExAC 0.00005.

Submissions (2):

Labcorp Genetics (formerly Invitae), Labcorp
Classification: Likely benign. Last evaluated: 2024-01-15. Review status: criteria provided, single submitter. Criteria: Invitae Variant Classification Sherloc (09022015). Collection method: clinical testing. Allele origin: germline.

GeneDx
Classification: Uncertain significance. Last evaluated: 2023-04-28. Review status: criteria provided, single submitter. Criteria: GeneDx Variant Classification Process June 2021. Collection method: clinical testing. Allele origin: germline. Affected: yes.
Comment: Nonsense variant predicted to result in protein truncation or nonsense mediated decay in a gene or region of a gene for which loss of function is not a well-established mechanism of disease; Has not been previously published as pathogenic or benign to our knowledge